The following is an entry in ClinVar:

NM_003931.3(WASF1):c.725dup (p.Tyr242Ter)

Gene: WASF1 (WASP family member 1; minus strand). Cytogenetic location: 6q21.
Variant type: Duplication.
Coding change: c.725dup on transcript NM_003931.3 (MANE Select); coding-DNA position 725, one base duplicated (A; older notation c.725dupA).
Protein change: p.Tyr242Ter; replaces tyrosine 242 with a stop codon.
Molecular consequence: nonsense.
Genome position (GRCh38, 1-based): chr6:110,103,546, T duplicated on the plus strand (A on the coding strand, the reverse complement: WASF1 is on the minus strand). VCF-style (leftmost placement, unchanged base first): chr6-110103545-G-GT. GRCh37 (hg19) VCF-style: chr6-110424748-G-GT.
Other names: c.725dup, p.Tyr242Ter (NM_001024934.2, NM_001024935.2, NM_001024936.2); short protein forms Y242*.
Identifiers: ClinVar variation 2579006 (VCV002579006.25), dbSNP rs1773186457, ClinGen allele CA2497176498.

ClinVar aggregate classification (germline): Uncertain significance (1 of 4 stars; one submission).

Allele frequency attached by ClinVar (database versions not stated): TOPMed below 0.00001.

Submission:

CeGaT Center for Human Genetics Tuebingen
Classification: Uncertain significance. Last evaluated: 2023-08-01. Review status: criteria provided, single submitter. Criteria: CeGaT Center For Human Genetics Tuebingen Variant Classification Criteria Version 2. Collection method: clinical testing. Allele origin: germline. Affected: yes. Observed: 1 variant allele.
Comment: WASF1: PM2, PVS1:Moderate